The following is an entry in ClinVar:

ClinVar aggregate classification (germline): Likely benign (1 of 4 stars; one submission).

Allele frequency attached by ClinVar (database versions not stated): ExAC 0.00001.

Submission:

CeGaT Center for Human Genetics Tuebingen
Classification: Likely benign. Last evaluated: 2022-07-01. Review status: criteria provided, single submitter. Criteria: CeGaT Center For Human Genetics Tuebingen Variant Classification Criteria Version 2. Collection method: clinical testing. Allele origin: germline. Affected: yes. Observed: 1 variant allele.
Comment: ZNF75D: BP4, BP7

NM_007131.5(ZNF75D):c.1482A>G (p.Arg494=)

Gene: ZNF75D (zinc finger protein 75D; minus strand). Cytogenetic location: Xq26.3.
Variant type: single nucleotide variant.
Coding change: c.1482A>G on transcript NM_007131.5 (MANE Select); coding-DNA position 1482, A replaced by G.
Protein change: p.Arg494=; no amino-acid change (arginine 494 retained).
Molecular consequence: synonymous variant.
Genome position (GRCh38, 1-based): chrX:135,287,188, T>C on the plus strand (A>G on the coding strand, the complement: ZNF75D is on the minus strand). VCF-style: chrX-135287188-T-C. GRCh37 (hg19) VCF-style: chrX-134421120-T-C.
Other names: c.1197A>G, p.Arg399= (NM_001185063.2).
Identifiers: ClinVar variation 2661485 (VCV002661485.24), dbSNP rs782223348, ClinGen allele CA10522710.